The following is an entry in ClinVar:

ClinVar aggregate classification (germline): Uncertain significance. Review status: criteria provided, multiple submitters, no conflicts (2 of 4 stars). 2 submissions from 2 submitters: Uncertain significance (2). Last evaluated 2024-02-28.

Conditions:
Progressive myoclonic epilepsy type 8. Identifiers: Orphanet 424027, MedGen C5190825, MONDO:0014545, OMIM 616230.

Allele frequency attached by ClinVar (database versions not stated): TOPMed 0.00003.
gnomAD v4.1: 4 of 1,264,130 alleles (0.00032%); highest among the groups gnomAD compares: Admixed American, 0.0084%; no homozygotes.

Submissions (2):

Ambry Genetics
Classification: Uncertain significance. Last evaluated: 2024-02-28. Review status: criteria provided, single submitter. Criteria: Ambry Variant Classification Scheme 2023. Collection method: clinical testing. Allele origin: germline.

Labcorp Genetics (formerly Invitae), Labcorp
Classification: Uncertain significance for Progressive myoclonic epilepsy type 8. Last evaluated: 2019-12-08. Review status: criteria provided, single submitter. Criteria: Invitae Variant Classification Sherloc (09022015). Collection method: clinical testing. Allele origin: germline.
Comment: In summary, the available evidence is currently insufficient to determine the role of this variant in disease. Therefore, it has been classified as a Variant of Uncertain Significance. Algorithms developed to predict the effect of sequence changes on RNA splicing suggest that this variant may create or strengthen a splice site, but this prediction has not been confirmed by published transcriptional studies. Algorithms developed to predict the effect of missense changes on protein structure and function (SIFT, PolyPhen-2, Align-GVGD) all suggest that this variant is likely to be tolerated, but these predictions have not been confirmed by published functional studies and their clinical significance is uncertain. This variant has not been reported in the literature in individuals with CERS1-related conditions. The frequency data for this variant in the population databases is considered unreliable, as metrics indicate insufficient coverage at this position in the ExAC database. This sequence change replaces leucine with valine at codon 60 of the CERS1 protein (p.Leu60Val). The leucine residue is moderately conserved and there is a small physicochemical difference between leucine and valine.

NM_021267.5(CERS1):c.178C>G (p.Leu60Val)

Genes: CERS1 (ceramide synthase 1; minus strand), GDF1 (growth differentiation factor 1; minus strand). Cytogenetic location: 19p13.11.
Variant type: single nucleotide variant.
Coding change: c.178C>G on transcript NM_021267.5 (MANE Select); coding-DNA position 178, C replaced by G.
Protein change: p.Leu60Val; replaces leucine 60 with valine.
Molecular consequence: missense variant. On other transcripts: 5 prime UTR variant (4), intron variant (3).
Genome position (GRCh38, 1-based): chr19:18,895,895, G>C on the plus strand (C>G on the coding strand, the complement: CERS1 is on the minus strand). VCF-style: chr19-18895895-G-C. GRCh37 (hg19) VCF-style: chr19-19006704-G-C.
Other names: c.178C>G, p.Leu60Val (NM_001387439.1, NM_001387440.1, NM_001387441.1 and 1 more transcripts); c.-351C>G (NM_001387444.1); c.-298C>G (NM_001387445.1); c.-725C>G (NM_001387438.1); c.-1145C>G (NM_001492.6); c.-46+831C>G (NM_001387443.1); c.-46+666C>G (NM_001387442.1, NM_001290265.2); short protein forms L60V.
Identifiers: ClinVar variation 844137 (VCV000844137.8), dbSNP rs760185006, ClinGen allele CA404868404.